The following is an entry in ClinVar:

NM_006186.4(NR4A2):c.1159-81_1540+67del

Gene: NR4A2 (nuclear receptor subfamily 4 group A member 2; minus strand). Cytogenetic location: 2q24.1.
Variant type: Deletion.
Coding change: c.1159-81_1540+67del on transcript NM_006186.4 (MANE Select); 81 bases into the intron before coding-DNA position 1159 through 67 bases into the intron after coding-DNA position 1540, 919 bases deleted.
Molecular consequence: splice acceptor variant, splice donor variant.
Genome position (GRCh38, 1-based): chr2:156,326,083-156,327,001, 919 bases deleted. GRCh37 (hg19): chr2:157,182,599-157,183,517.
Other names: HZF-3; NOT; NURR1; RNR1; TINUR; c.970-81_1351+67del (NM_173173.3).
Identifiers: ClinVar variation 3338024 (VCV003338024.3).

ClinVar aggregate classification (germline): Pathogenic (1 of 4 stars; one submission).

Conditions:
Intellectual developmental disorder with language impairment and early-onset DOPA-responsive dystonia-parkinsonism (IDLDP). Identifiers: Orphanet 660017, MedGen C5677001, MONDO:0859257, OMIM 619911.

Submission:

Center Lab, King Abdulaziz University
Classification: Pathogenic for Intellectual developmental disorder with language impairment and early-onset DOPA-responsive dystonia-parkinsonism. Last evaluated: 2024-08-06. Review status: criteria provided, single submitter. Criteria: ACMG Guidelines, 2015. Collection method: case-control. Allele origin: de novo, not applicable. Inheritance: Autosomal dominant inheritance. Affected: yes. Observed: 6 variant alleles. Clinical features observed: Global developmental delay (HP:0001263), Absent speech (HP:0001344), Ataxia (HP:0001251), Hyperactivity (HP:0000752), Dystonic disorder (HP:0001332). Functional consequence: effect on RNA splicing.
Comment: The variant got 10 ACMG points: 10P and 0B. PVS1, PM6, PM2_SUP, PhyloP100: 1.38. No cryptic splice site was detected. Exon removal resulted in a frameshift change, and an overlap with established HI/LOF-sensitive genes/genomic regions of NR4A2.

Literature cited by the submitters: PubMed 38440907.